The following is an entry in ClinVar:

ClinVar aggregate classification (germline): Benign/Likely benign. Review status: criteria provided, multiple submitters, no conflicts (2 of 4 stars). 2 submissions from 2 submitters: Benign (1); Likely benign (1). Last evaluated 2023-12-27.

Conditions:
Occult macular dystrophy (OCMD). Also called: OMD; OCCULT MACULAR DYSTROPHY, SUSCEPTIBILITY TO. Identifiers: Orphanet 247834, MedGen C3150833, MONDO:0013316, OMIM 613587, HP:0030636.

Allele frequency attached by ClinVar (database versions not stated): gnomAD exomes 0.00006; ExAC 0.00008; 1000 Genomes Project 30x 0.00016; gnomAD 0.00046 and 0.00049; TOPMed 0.00046; ESP Exome Variant Server 0.00057.
gnomAD v4.1: 177 of 1,612,180 alleles (0.011%); highest among the groups gnomAD compares: African/African-American, 0.18%; 4 homozygotes.

Submissions (2):

Blueprint Genetics
Classification: Likely benign. Last evaluated: 2023-12-27. Review status: criteria provided, single submitter. Criteria: ACMG Guidelines, 2015. Collection method: clinical testing. Allele origin: germline.

Illumina Laboratory Services, Illumina
Classification: Benign for Occult macular dystrophy. Last evaluated: 2018-01-12. Review status: criteria provided, single submitter. Criteria: ICSL Variant Classification Criteria 13 December 2019. Collection method: clinical testing. Allele origin: germline.
Comment: This variant was observed in the ICSL laboratory as part of a predisposition screen in an ostensibly healthy population. It had not been previously curated by ICSL or reported in the Human Gene Mutation Database (HGMD: prior to June 1st, 2018), and was therefore a candidate for classification through an automated scoring system. Utilizing variant allele frequency, disease prevalence and penetrance estimates, and inheritance mode, an automated score was calculated to assess if this variant is too frequent to cause the disease. Based on the score and internal cut-off values, a variant classified as benign is not then subjected to further curation. The score for this variant resulted in a classification of benign for this disease.

NM_178857.6(RP1L1):c.1273A>C (p.Arg425=)

Gene: RP1L1 (RP1 like 1). Cytogenetic location: 8p23.1.
Variant type: single nucleotide variant.
Coding change: c.1273A>C on transcript NM_178857.6 (MANE Select); coding-DNA position 1273, A replaced by C.
Protein change: p.Arg425=; no amino-acid change (arginine 425 retained).
Molecular consequence: synonymous variant.
Genome position (GRCh38, 1-based): chr8:10,612,825, T>G on the plus strand (A>C on the coding strand, the complement: RP1L1 is on the minus strand). VCF-style: chr8-10612825-T-G. GRCh37 (hg19) VCF-style: chr8-10470335-T-G.
Identifiers: ClinVar variation 361380 (VCV000361380.6), dbSNP rs377274495, ClinGen allele CA4625240.